The following is an entry in ClinVar:

NM_002470.4(MYH3):c.5490G>T (p.Glu1830Asp)

Gene: MYH3 (myosin heavy chain 3; minus strand). Cytogenetic location: 17p13.1.
Variant type: single nucleotide variant.
Coding change: c.5490G>T on transcript NM_002470.4 (MANE Select); coding-DNA position 5490, G replaced by T.
Protein change: p.Glu1830Asp; replaces glutamic acid 1830 with aspartic acid.
Molecular consequence: missense variant.
Genome position (GRCh38, 1-based): chr17:10,630,164, C>A on the plus strand (G>T on the coding strand, the complement: MYH3 is on the minus strand). VCF-style: chr17-10630164-C-A. GRCh37 (hg19) VCF-style: chr17-10533481-C-A.
Other names: short protein forms E1830D.
Identifiers: ClinVar variation 1716902 (VCV001716902.5), dbSNP rs2508561639, ClinGen allele CA398130728.

ClinVar aggregate classification (germline): Uncertain significance (1 of 4 stars; one submission).

Submission:

Labcorp Genetics (formerly Invitae), Labcorp
Classification: Uncertain significance. Last evaluated: 2025-08-11. Review status: criteria provided, single submitter. Criteria: Invitae Variant Classification Sherloc (09022015). Collection method: clinical testing. Allele origin: germline.
Comment: This sequence change replaces glutamic acid, which is acidic and polar, with aspartic acid, which is acidic and polar, at codon 1830 of the MYH3 protein (p.Glu1830Asp). This variant is not present in population databases (gnomAD no frequency). This variant has not been reported in the literature in individuals affected with MYH3-related conditions. ClinVar contains an entry for this variant (Variation ID: 1716902). Invitae Evidence Modeling of protein sequence and biophysical properties (such as structural, functional, and spatial information, amino acid conservation, physicochemical variation, residue mobility, and thermodynamic stability) indicates that this missense variant is not expected to disrupt MYH3 protein function with a negative predictive value of 95%. In summary, the available evidence is currently insufficient to determine the role of this variant in disease. Therefore, it has been classified as a Variant of Uncertain Significance.